The following is an entry in ClinVar:

NM_006950.3(SYN1):c.142A>T (p.Thr48Ser)

Gene: SYN1 (synapsin I; minus strand). Cytogenetic location: Xp11.23.
Variant type: single nucleotide variant.
Coding change: c.142A>T on transcript NM_006950.3 (MANE Select); coding-DNA position 142, A replaced by T.
Protein change: p.Thr48Ser; replaces threonine 48 with serine.
Molecular consequence: missense variant.
Genome position (GRCh38, 1-based): chrX:47,619,587, T>A on the plus strand (A>T on the coding strand, the complement: SYN1 is on the minus strand). VCF-style: chrX-47619587-T-A. GRCh37 (hg19) VCF-style: chrX-47478986-T-A.
Other names: c.142A>T, p.Thr48Ser (NM_133499.2); short protein forms T48S.
Identifiers: ClinVar variation 3642460 (VCV003642460.2).

ClinVar aggregate classification (germline): Uncertain significance (1 of 4 stars; one submission).

Conditions:
Epilepsy, X-linked 1, with variable learning disabilities and behavior disorders. Also called: X-linked epilepsy-learning disabilities-behavior disorders syndrome. Identifiers: Orphanet 85294, MedGen C5774177, MONDO:0010339, OMIM 300491.

Submission:

Labcorp Genetics (formerly Invitae), Labcorp
Classification: Uncertain significance for Epilepsy, X-linked 1, with variable learning disabilities and behavior disorders. Last evaluated: 2024-02-22. Review status: criteria provided, single submitter. Criteria: Invitae Variant Classification Sherloc (09022015). Collection method: clinical testing. Allele origin: germline.
Comment: This sequence change replaces threonine, which is neutral and polar, with serine, which is neutral and polar, at codon 48 of the SYN1 protein (p.Thr48Ser). This variant is not present in population databases (gnomAD no frequency). This variant has not been reported in the literature in individuals affected with SYN1-related conditions. An algorithm developed to predict the effect of missense changes on protein structure and function (PolyPhen-2) suggests that this variant is likely to be tolerated. In summary, the available evidence is currently insufficient to determine the role of this variant in disease. Therefore, it has been classified as a Variant of Uncertain Significance.